The following is an entry in ClinVar:

ClinVar aggregate classification (germline): Pathogenic (1 of 4 stars; one submission).

Submission:

Labcorp Genetics (formerly Invitae), Labcorp
Classification: Pathogenic. Last evaluated: 2022-10-16. Review status: criteria provided, single submitter. Criteria: Invitae Variant Classification Sherloc (09022015). Collection method: clinical testing. Allele origin: germline.
Comment: For these reasons, this variant has been classified as Pathogenic. This variant has not been reported in the literature in individuals affected with IMPG2-related conditions. This variant is not present in population databases (gnomAD no frequency). This sequence change creates a premature translational stop signal (p.Arg73Thrfs*14) in the IMPG2 gene. It is expected to result in an absent or disrupted protein product. Loss-of-function variants in IMPG2 are known to be pathogenic (PMID: 20673862).

Literature cited by the submitters: PubMed 20673862.

NM_016247.4(IMPG2):c.216_217del (p.Arg73fs)

Gene: IMPG2 (interphotoreceptor matrix proteoglycan 2; minus strand). Cytogenetic location: 3q12.3.
Variant type: Deletion.
Coding change: c.216_217del on transcript NM_016247.4 (MANE Select); coding-DNA positions 216 to 217, 2 bases deleted (AA; older notation c.216_217delAA).
Protein change: p.Arg73fs; shifts the reading frame from arginine 73.
Molecular consequence: frameshift variant.
Genome position (GRCh38, 1-based): chr3:101,319,701-101,319,702, TT deleted on the plus strand (AA on the coding strand, the reverse complement: IMPG2 is on the minus strand); deleting any 2 consecutive bases within chr3:101,319,701-101,319,703 gives the same sequence; the c. name uses the placement nearest the transcript's 3' end. VCF-style (leftmost placement, unchanged base first): chr3-101319700-CTT-C. GRCh37 (hg19) VCF-style: chr3-101038544-CTT-C.
Other names: short protein forms R73fs.
Identifiers: ClinVar variation 2007525 (VCV002007525.4), dbSNP rs2509062500, ClinGen allele CA2580068553.